The following is an entry in ClinVar:

NM_001379110.1(SLC9A6):c.1709C>T (p.Thr570Ile)

Gene: SLC9A6 (solute carrier family 9 member A6; plus strand). Cytogenetic location: Xq26.3.
Variant type: single nucleotide variant.
Coding change: c.1709C>T on transcript NM_001379110.1 (MANE Select); coding-DNA position 1709, C replaced by T.
Protein change: p.Thr570Ile; replaces threonine 570 with isoleucine.
Molecular consequence: missense variant.
Genome position (GRCh38, 1-based): chrX:136,040,123, C>T. VCF-style: chrX-136040123-C-T. GRCh37 (hg19) VCF-style: chrX-135122282-C-T.
Other names: c.1775C>T, p.Thr592Ile (NM_001042537.2); c.1619C>T, p.Thr540Ile (NM_001177651.2, NM_001400909.1, NM_001400910.1 and 2 more transcripts); c.1523C>T, p.Thr508Ile (NM_001330652.2, NM_001400913.1); c.1679C>T, p.Thr560Ile (NM_006359.3); short protein forms T570I, T508I, T540I, T560I, T592I.
Identifiers: ClinVar variation 3651049 (VCV003651049.2).

ClinVar aggregate classification (germline): Uncertain significance (1 of 4 stars; one submission).

Conditions:
Christianson syndrome (MRXSCH). Also called: X-linked mental retardation, syndromic, Christianson type; SLC9A6-Related Syndromic Mental Retardation; INTELLECTUAL DEVELOPMENTAL DISORDER, X-LINKED, SYNDROMIC, CHRISTIANSON TYPE. Identifiers: Orphanet 85278, MedGen C2678194, MONDO:0010278, OMIM 300243.

Submission:

Labcorp Genetics (formerly Invitae), Labcorp
Classification: Uncertain significance for Christianson syndrome. Last evaluated: 2024-04-25. Review status: criteria provided, single submitter. Criteria: Invitae Variant Classification Sherloc (09022015). Collection method: clinical testing. Allele origin: germline.
Comment: This sequence change replaces threonine, which is neutral and polar, with isoleucine, which is neutral and non-polar, at codon 560 of the SLC9A6 protein (p.Thr560Ile). This variant is not present in population databases (gnomAD no frequency). This variant has not been reported in the literature in individuals affected with SLC9A6-related conditions. Advanced modeling of protein sequence and biophysical properties (such as structural, functional, and spatial information, amino acid conservation, physicochemical variation, residue mobility, and thermodynamic stability) has been performed at Invitae for this missense variant, however the output from this modeling did not meet the statistical confidence thresholds required to predict the impact of this variant on SLC9A6 protein function. In summary, the available evidence is currently insufficient to determine the role of this variant in disease. Therefore, it has been classified as a Variant of Uncertain Significance.